The following is an entry in ClinVar:

ClinVar aggregate classification (germline): Uncertain significance (1 of 4 stars; one submission).

Submission:

GeneDx
Classification: Uncertain significance. Last evaluated: 2024-12-23. Review status: criteria provided, single submitter. Criteria: GeneDx Variant Classification Process June 2021. Collection method: clinical testing. Allele origin: germline. Affected: yes.
Comment: Not observed at significant frequency in large population cohorts (gnomAD); In silico analysis supports that this missense variant has a deleterious effect on protein structure/function; Has not been previously published as pathogenic or benign to our knowledge

NM_006015.6(ARID1A):c.2167C>A (p.Gln723Lys)

Gene: ARID1A (AT-rich interaction domain 1A; plus strand). Cytogenetic location: 1p36.11.
Variant type: single nucleotide variant.
Coding change: c.2167C>A on transcript NM_006015.6 (MANE Select); coding-DNA position 2167, C replaced by A.
Protein change: p.Gln723Lys; replaces glutamine 723 with lysine.
Molecular consequence: missense variant.
Genome position (GRCh38, 1-based): chr1:26,761,389, C>A. VCF-style: chr1-26761389-C-A. GRCh37 (hg19) VCF-style: chr1-27087880-C-A.
Other names: c.2167C>A, p.Gln723Lys (NM_139135.4); short protein forms Q723K.
Identifiers: ClinVar variation 3906362 (VCV003906362.1).
Genomic context (GRCh38, chr1:26,761,389, plus strand): 5'-TTAGAATTCCCAGGCTTAGCCATGATATGCTTATGTTGTTCTTTGTCTGGAGCAGGCAAC[C>A]AGATGCCACCTCGGCCACCCAGTGGCCAGTCGGACAGCATCATGCATCCTTCCATGAACC-3'
Protein context (NP_006006.3, residues 713-733): PLSPAAVPGN[Gln723Lys]MPPRPPSGQS